The following is an entry in ClinVar:

NM_001852.4(COL9A2):c.1551C>T (p.Gly517=)

Gene: COL9A2 (collagen type IX alpha 2 chain; minus strand). Cytogenetic location: 1p34.2.
Variant type: single nucleotide variant.
Coding change: c.1551C>T on transcript NM_001852.4 (MANE Select); coding-DNA position 1551, C replaced by T.
Protein change: p.Gly517=; no amino-acid change (glycine 517 retained).
Molecular consequence: synonymous variant.
Genome position (GRCh38, 1-based): chr1:40,303,183, G>A on the plus strand (C>T on the coding strand, the complement: COL9A2 is on the minus strand). VCF-style: chr1-40303183-G-A. GRCh37 (hg19) VCF-style: chr1-40768855-G-A.
Identifiers: ClinVar variation 196171 (VCV000196171.24), dbSNP rs140697524, ClinGen allele CA202176.

ClinVar aggregate classification (germline): Benign/Likely benign. Review status: criteria provided, multiple submitters, no conflicts (2 of 4 stars). 8 submissions from 8 submitters: Benign (4); Likely benign (4). Last evaluated 2026-02-02.

Conditions:
Connective tissue disorder. Also called: Connective tissue disease. Identifiers: MedGen C0009782, MONDO:0003900.

Allele frequency attached by ClinVar (database versions not stated): ExAC 0.00088; gnomAD 0.00202 and 0.00205; 1000 Genomes Project 30x 0.00234; 1000 Genomes Project 0.00240; TOPMed 0.00252; ESP Exome Variant Server 0.00277.
gnomAD v4.1: 631 of 1,610,918 alleles (0.039%); highest among the groups gnomAD compares: African/African-American, 0.71%; 5 homozygotes.

Submissions (8):

Labcorp Genetics (formerly Invitae), Labcorp
Classification: Benign. Last evaluated: 2026-02-02. Review status: criteria provided, single submitter. Criteria: Invitae Variant Classification Sherloc (09022015). Collection method: clinical testing. Allele origin: germline.

Blueprint Genetics
Classification: Likely benign. Last evaluated: 2024-11-14. Review status: criteria provided, single submitter. Criteria: ACMG Guidelines, 2015. Collection method: clinical testing. Allele origin: germline.

Women's Health and Genetics/Laboratory Corporation of America, LabCorp
Classification: Benign. Last evaluated: 2024-10-21. Review status: criteria provided, single submitter. Criteria: LabCorp Variant Classification Summary - May 2015. Collection method: clinical testing. Allele origin: germline.
Comment: Variant summary: COL9A2 c.1551C>T (p.Gly517Gly) alters a conserved nucleotide located close to a canonical splice site and therefore could affect mRNA splicing, leading to a significantly altered protein sequence. Consensus agreement among computation tools predict no significant impact on normal splicing. However, these predictions have yet to be confirmed by functional studies. The variant allele was found at a frequency of 0.00039 in 1610918 control chromosomes, predominantly at a frequency of 0.0071 within the African or African-American subpopulation in the gnomAD database, including 4 homozygotes. The observed variant frequency within African or African-American control individuals in the gnomAD database (v4) exceeds the estimated maximal expected allele frequency for a pathogenic variant in COL9A2 causing Epiphyseal dysplasia, multiple, 2 phenotype. To our knowledge, no occurrence of c.1551C>T in individuals affected with Epiphyseal dysplasia, multiple, 2 and no experimental evidence demonstrating its impact on protein function have been reported. ClinVar contains an entry for this variant (Variation ID: 196171). Based on the evidence outlined above, the variant was classified as benign.

GeneDx
Classification: Likely benign. Last evaluated: 2021-01-06. Review status: criteria provided, single submitter. Criteria: GeneDx Variant Classification Process June 2021. Collection method: clinical testing. Allele origin: germline. Affected: yes.

Genome Diagnostics Laboratory, The Hospital for Sick Children
Classification: Likely benign for Connective tissue disorder. Last evaluated: 2019-08-01. Review status: criteria provided, single submitter. Criteria: ACMG Guidelines, 2015. Collection method: clinical testing. Allele origin: germline.

Athena Diagnostics
Classification: Benign. Last evaluated: 2019-02-15. Review status: criteria provided, single submitter. Criteria: Athena Diagnostics Criteria. Collection method: clinical testing. Allele origin: germline.

Eurofins Ntd Llc (ga)
Classification: Benign. Last evaluated: 2015-06-01. Review status: criteria provided, single submitter. Criteria: EGL Classification Definitions 2015. Collection method: clinical testing. Allele origin: germline. Observed: 1 variant allele, 1 heterozygote.

Breakthrough Genomics
Classification: Likely benign. Review status: criteria provided, single submitter. Criteria: ACMG Guidelines, 2015. Collection method: not provided. Allele origin: germline. Inheritance: Autosomal recessive inheritance. Affected: yes.